The following is an entry in ClinVar:

ClinVar aggregate classification (germline): Pathogenic (1 of 4 stars; one submission).

Conditions:
Congenital myotonia, autosomal dominant form (THD). Also called: THOMSEN DISEASE; Myotonia congenita autosomal dominant. Identifiers: Orphanet 614, MedGen C2936781, MONDO:0008055, OMIM 160800.
Congenital myotonia, autosomal recessive form. Also called: Becker Generalized Myotonia; myotonia congenita, autosomal recessive; BECKER DISEASE. Identifiers: Orphanet 614, MedGen C0751360, MONDO:0009715, OMIM 255700.

gnomAD v4.1: 1 of 1,613,162 alleles (0.000062%); highest among the groups gnomAD compares: Non-Finnish European, 0.000085%; no homozygotes.

Submission:

Labcorp Genetics (formerly Invitae), Labcorp
Classification: Pathogenic for Congenital myotonia, autosomal recessive form; Congenital myotonia, autosomal dominant form. Last evaluated: 2023-04-12. Review status: criteria provided, single submitter. Criteria: Invitae Variant Classification Sherloc (09022015). Collection method: clinical testing. Allele origin: germline.
Comment: For these reasons, this variant has been classified as Pathogenic. This variant disrupts the p.Pro480 amino acid residue in CLCN1. Other variant(s) that disrupt this residue have been determined to be pathogenic (PMID: 8112288, 18337730). This suggests that this residue is clinically significant, and that variants that disrupt this residue are likely to be disease-causing. Studies have shown that this missense change alters CLCN1 gene expression (PMID: 27666773). Advanced modeling of protein sequence and biophysical properties (such as structural, functional, and spatial information, amino acid conservation, physicochemical variation, residue mobility, and thermodynamic stability) performed at Invitae indicates that this missense variant is expected to disrupt CLCN1 protein function. ClinVar contains an entry for this variant (Variation ID: 942360). This missense change has been observed in individuals with clinical features of autosomal dominant myotonia congenita (PMID: 27666773; Invitae). This variant has been reported in individual(s) with clinical features of autosomal recessive myotonia congenita (PMID: 17932099); however, the role of the variant in this condition is currently unclear. This variant is not present in population databases (gnomAD no frequency). This sequence change replaces proline, which is neutral and non-polar, with histidine, which is basic and polar, at codon 480 of the CLCN1 protein (p.Pro480His).

Literature cited by the submitters: PubMed 8112288; PubMed 18337730; PubMed 27666773; PubMed 17932099.

NM_000083.3(CLCN1):c.1439C>A (p.Pro480His)

Gene: CLCN1 (chloride voltage-gated channel 1; plus strand). Cytogenetic location: 7q34.
Variant type: single nucleotide variant.
Coding change: c.1439C>A on transcript NM_000083.3 (MANE Select); coding-DNA position 1439, C replaced by A.
Protein change: p.Pro480His; replaces proline 480 with histidine.
Molecular consequence: missense variant. On other transcripts: non-coding transcript variant (1).
Genome position (GRCh38, 1-based): chr7:143,339,290, C>A. VCF-style: chr7-143339290-C-A. GRCh37 (hg19) VCF-style: chr7-143036383-C-A.
Other names: short protein forms P480H.
Identifiers: ClinVar variation 942360 (VCV000942360.9), dbSNP rs80356694, ClinGen allele CA369645358.